The following is an entry in ClinVar:

ClinVar aggregate classification (germline): Conflicting classifications of pathogenicity. Review status: criteria provided, conflicting classifications (1 of 4 stars). 8 submissions from 8 submitters: Uncertain significance (1); Benign (1); Likely benign (6). Last evaluated 2026-02-01.

Conditions:
Early-infantile DEE. Also called: Early infantile epileptic encephalopathy with suppression bursts; Early infantile epileptic encephalopathy; Ohtahara syndrome. Identifiers: Orphanet 1934, MedGen C0393706, MONDO:0800491.
Inborn genetic diseases. Identifiers: MedGen C0950123, MeSH D030342.
Developmental and epileptic encephalopathy, 5 (DEE5). Identifiers: Orphanet 3451, MedGen C3150731, MONDO:0013277, OMIM 613477.

Allele frequency attached by ClinVar (database versions not stated): gnomAD exomes 0.00004 and 0.00008; ExAC 0.00011; gnomAD 0.00019; TOPMed 0.00022; ESP Exome Variant Server 0.00023; 1000 Genomes Project 0.00040; 1000 Genomes Project 30x 0.00062.
gnomAD v4.1: 87 of 1,614,046 alleles (0.0054%); highest among the groups gnomAD compares: African/African-American, 0.095%; no homozygotes.

Submissions (8):

CeGaT Center for Human Genetics Tuebingen
Classification: Likely benign. Last evaluated: 2026-02-01. Review status: criteria provided, single submitter. Criteria: CeGaT Center For Human Genetics Tuebingen Variant Classification Criteria Version 2. Collection method: clinical testing. Allele origin: germline. Affected: yes. Observed: 1 variant allele.
Comment: SPTAN1: BP4, BP7

Labcorp Genetics (formerly Invitae), Labcorp
Classification: Likely benign for Early-infantile DEE. Last evaluated: 2026-01-28. Review status: criteria provided, single submitter. Criteria: Invitae Variant Classification Sherloc (09022015). Collection method: clinical testing. Allele origin: germline.

Ambry Genetics
Classification: Likely benign for Inborn genetic diseases. Last evaluated: 2025-05-14. Review status: criteria provided, single submitter. Criteria: Ambry Variant Classification Scheme 2023. Collection method: clinical testing. Allele origin: germline.

Women's Health and Genetics/Laboratory Corporation of America, LabCorp
Classification: Likely benign. Last evaluated: 2024-11-29. Review status: criteria provided, single submitter. Criteria: LabCorp Variant Classification Summary - May 2015. Collection method: clinical testing. Allele origin: germline.

Genome-Nilou Lab
Classification: Benign for Developmental and epileptic encephalopathy, 5. Last evaluated: 2021-07-15. Review status: criteria provided, single submitter. Criteria: ACMG Guidelines, 2015. Collection method: clinical testing. Allele origin: germline. Affected: no.

Blueprint Genetics
Classification: Likely benign. Last evaluated: 2021-06-14. Review status: criteria provided, single submitter. Criteria: ACMG Guidelines, 2015. Collection method: clinical testing. Allele origin: germline.

GeneDx
Classification: Likely benign. Last evaluated: 2018-01-09. Review status: criteria provided, single submitter. Criteria: GeneDx Variant Classification (06012015). Collection method: clinical testing. Allele origin: germline. Affected: yes.
Comment: This variant is considered likely benign or benign based on one or more of the following criteria: it is a conservative change, it occurs at a poorly conserved position in the protein, it is predicted to be benign by multiple in silico algorithms, and/or has population frequency not consistent with disease.

Eurofins Ntd Llc (ga)
Classification: Uncertain significance. Last evaluated: 2016-01-14. Review status: criteria provided, single submitter. Criteria: EGL Classification Definitions 2015. Collection method: clinical testing. Allele origin: germline. Observed: 1 variant allele, 1 heterozygote.

NM_001130438.3(SPTAN1):c.5106G>A (p.Leu1702=)

Gene: SPTAN1 (spectrin alpha, non-erythrocytic 1; plus strand). Cytogenetic location: 9q34.11.
Variant type: single nucleotide variant.
Coding change: c.5106G>A on transcript NM_001130438.3 (MANE Select); coding-DNA position 5106, G replaced by A.
Protein change: p.Leu1702=; no amino-acid change (leucine 1702 retained).
Molecular consequence: synonymous variant.
Genome position (GRCh38, 1-based): chr9:128,613,443, G>A. VCF-style: chr9-128613443-G-A. GRCh37 (hg19) VCF-style: chr9-131375722-G-A.
Other names: c.5031G>A, p.Leu1677= (NM_001195532.2); c.5106G>A, p.Leu1702= (NM_001363759.2); c.5046G>A, p.Leu1682= (NM_001363765.2); c.5091G>A, p.Leu1697= (NM_003127.4).
Identifiers: ClinVar variation 285486 (VCV000285486.26), dbSNP rs373491498, ClinGen allele CA5265375.
Genomic context (GRCh38, chr9:128,613,443, plus strand): 5'-GGAGGCCCTGCTGGCATCCGAAGATTATGGCAAAGACCTAGCTTCTGTGAACAACCTGCT[G>A]AAAAAGCATCAACTGCTGGAAGCAGATATATCTGCCCATGAGGTAAGCAAAGGGAGGCGG-3'
Protein context (NP_001123910.1, residues 1692-1712): GKDLASVNNL[Leu1702=]KKHQLLEADI